The following is an entry in ClinVar:

NM_152443.3(RDH12):c.340G>T (p.Ala114Ser)

Genes: GPHN (gephyrin; plus strand), RDH12 (retinol dehydrogenase 12; plus strand). Cytogenetic location: 14q24.1.
Variant type: single nucleotide variant.
Coding change: c.340G>T on transcript NM_152443.3 (MANE Select); coding-DNA position 340, G replaced by T.
Protein change: p.Ala114Ser; replaces alanine 114 with serine.
Molecular consequence: missense variant.
Genome position (GRCh38, 1-based): chr14:67,725,251, G>T. VCF-style: chr14-67725251-G-T. GRCh37 (hg19) VCF-style: chr14-68191968-G-T.
Other names: short protein forms A114S.
Identifiers: ClinVar variation 1347758 (VCV001347758.3), dbSNP rs2038171993, ClinGen allele CA390148941.

ClinVar aggregate classification (germline): Uncertain significance (1 of 4 stars; one submission).

Conditions:
Leber congenital amaurosis 13 (LCA13). Identifiers: MedGen C2675186, MONDO:0012990, OMIM 612712.

gnomAD v4.1: 5 of 1,613,128 alleles (0.00031%); highest among the groups gnomAD compares: Non-Finnish European, 0.00042%; no homozygotes.

Submission:

Labcorp Genetics (formerly Invitae), Labcorp
Classification: Uncertain significance for Leber congenital amaurosis 13. Last evaluated: 2022-08-16. Review status: criteria provided, single submitter. Criteria: Invitae Variant Classification Sherloc (09022015). Collection method: clinical testing. Allele origin: germline.
Comment: This sequence change replaces alanine, which is neutral and non-polar, with serine, which is neutral and polar, at codon 114 of the RDH12 protein (p.Ala114Ser). This variant is not present in population databases (gnomAD no frequency). This variant has not been reported in the literature in individuals affected with RDH12-related conditions. ClinVar contains an entry for this variant (Variation ID: 1347758). Algorithms developed to predict the effect of missense changes on protein structure and function are either unavailable or do not agree on the potential impact of this missense change (SIFT: "Tolerated"; PolyPhen-2: "Possibly Damaging"; Align-GVGD: "Class C0"). Algorithms developed to predict the effect of sequence changes on RNA splicing suggest that this variant may disrupt the consensus splice site. In summary, the available evidence is currently insufficient to determine the role of this variant in disease. Therefore, it has been classified as a Variant of Uncertain Significance.